The following is an entry in ClinVar:

ClinVar aggregate classification (germline): Uncertain significance (1 of 4 stars; one submission).

Conditions:
PCNT-related disorder. Also called: PCNT-related condition.

gnomAD v4.1: 4 of 1,613,956 alleles (0.00025%); highest among the groups gnomAD compares: Non-Finnish European, 0.00034%; no homozygotes.

Submission:

PreventionGenetics, part of Exact Sciences
Classification: Uncertain significance for PCNT-related condition. Last evaluated: 2024-12-20. Review status: criteria provided, single submitter. Criteria: ACMG Guidelines, 2015. Collection method: clinical testing. Allele origin: germline.
Comment: The PCNT c.8115C>G variant is predicted to result in the amino acid substitution p.Cys2705Trp. To our knowledge, this variant has not been reported in the literature or in a large population database (gnomAD), indicating this variant is rare. At this time, the clinical significance of this variant is uncertain due to the absence of conclusive functional and genetic evidence.

NM_006031.6(PCNT):c.8115C>G (p.Cys2705Trp)

Gene: PCNT (pericentrin; plus strand). Cytogenetic location: 21q22.3.
Variant type: single nucleotide variant.
Coding change: c.8115C>G on transcript NM_006031.6 (MANE Select); coding-DNA position 8115, C replaced by G.
Protein change: p.Cys2705Trp; replaces cysteine 2705 with tryptophan.
Molecular consequence: missense variant.
Genome position (GRCh38, 1-based): chr21:46,431,579, C>G. VCF-style: chr21-46431579-C-G. GRCh37 (hg19) VCF-style: chr21-47851493-C-G.
Other names: c.7761C>G, p.Cys2587Trp (NM_001315529.2); short protein forms C2587W, C2705W.
Identifiers: ClinVar variation 4985484 (VCV004985484.1).